The following is an entry in ClinVar:

NM_001371727.1(GABRB2):c.394G>A (p.Gly132Arg)

Gene: GABRB2 (gamma-aminobutyric acid type A receptor subunit beta2; minus strand). Cytogenetic location: 5q34.
Variant type: single nucleotide variant.
Coding change: c.394G>A on transcript NM_001371727.1 (MANE Select); coding-DNA position 394, G replaced by A.
Protein change: p.Gly132Arg; replaces glycine 132 with arginine.
Molecular consequence: missense variant.
Genome position (GRCh38, 1-based): chr5:161,459,688, C>T on the plus strand (G>A on the coding strand, the complement: GABRB2 is on the minus strand). VCF-style: chr5-161459688-C-T. GRCh37 (hg19) VCF-style: chr5-160886694-C-T.
Other names: c.394G>A, p.Gly132Arg (NM_021911.3, NM_000813.3); short protein forms G132R.
Identifiers: ClinVar variation 1026819 (VCV001026819.9), dbSNP rs868863837, ClinGen allele CA131034198.

ClinVar aggregate classification (germline): Uncertain significance (1 of 4 stars; one submission).

Conditions:
Intellectual disability. Also called: Intellectual functioning disability; Intellectual developmental disorder; intellectual disabilities. Identifiers: MedGen C3714756, MeSH D008607, MONDO:0001071, HP:0001249.

Allele frequency attached by ClinVar (database versions not stated): gnomAD exomes below 0.00001; TOPMed below 0.00001.

Submission:

Labcorp Genetics (formerly Invitae), Labcorp
Classification: Uncertain significance for Intellectual disability. Last evaluated: 2021-07-12. Review status: criteria provided, single submitter. Criteria: Invitae Variant Classification Sherloc (09022015). Collection method: clinical testing. Allele origin: germline.
Comment: In summary, the available evidence is currently insufficient to determine the role of this variant in disease. Therefore, it has been classified as a Variant of Uncertain Significance. Algorithms developed to predict the effect of sequence changes on RNA splicing suggest that this variant may create or strengthen a splice site, but this prediction has not been confirmed by published transcriptional studies. Algorithms developed to predict the effect of missense changes on protein structure and function are either unavailable or do not agree on the potential impact of this missense change (SIFT: "Tolerated"; PolyPhen-2: "Probably Damaging"; Align-GVGD: "Class C0"). This variant has not been reported in the literature in individuals with GABRB2-related conditions. This variant is not present in population databases (ExAC no frequency). This sequence change replaces glycine with arginine at codon 132 of the GABRB2 protein (p.Gly132Arg). The glycine residue is moderately conserved and there is a moderate physicochemical difference between glycine and arginine.